The following is an entry in ClinVar:

NM_003640.5(ELP1):c.3876T>G (p.Thr1292=)

Gene: ELP1 (elongator acetyltransferase complex subunit 1; minus strand). Cytogenetic location: 9q31.3.
Variant type: single nucleotide variant.
Coding change: c.3876T>G on transcript NM_003640.5 (MANE Select); coding-DNA position 3876, T replaced by G.
Protein change: p.Thr1292=; no amino-acid change (threonine 1292 retained).
Molecular consequence: synonymous variant.
Genome position (GRCh38, 1-based): chr9:108,874,950, A>C on the plus strand (T>G on the coding strand, the complement: ELP1 is on the minus strand). VCF-style: chr9-108874950-A-C. GRCh37 (hg19) VCF-style: chr9-111637230-A-C.
Other names: p.Thr1292=; c.3534T>G, p.Thr1178= (NM_001318360.2); c.2829T>G, p.Thr943= (NM_001330749.2); c.3876T>G (NM_003640.4, LRG_251t1).
Identifiers: ClinVar variation 364551 (VCV000364551.39), dbSNP rs61749202, ClinGen allele CA5174146.

ClinVar aggregate classification (germline): Conflicting classifications of pathogenicity. Review status: criteria provided, conflicting classifications (1 of 4 stars). 9 submissions from 9 submitters: Uncertain significance (1); Benign (6). 2 of the submissions do not count toward it. Last evaluated 2026-02-04.

Conditions:
ELP1-related disorder. Also called: ELP1-related condition.
Familial dysautonomia. Also called: HSAN III; FD. Identifiers: Orphanet 1764, MedGen C0013364, MONDO:0009131, OMIM 223900. Disease mechanism: loss of function.

Allele frequency attached by ClinVar (database versions not stated): 1000 Genomes Project 30x 0.00671; 1000 Genomes Project 0.00759; TOPMed 0.01213; ESP Exome Variant Server 0.01238; ExAC 0.01362; gnomAD exomes 0.01463.
gnomAD v4.1: 24,493 of 1,611,554 alleles (1.5%); highest among the groups gnomAD compares: Middle Eastern, 4.9%; 262 homozygotes.

Submissions (9):

Labcorp Genetics (formerly Invitae), Labcorp
Classification: Benign. Last evaluated: 2026-02-04. Review status: criteria provided, single submitter. Criteria: Invitae Variant Classification Sherloc (09022015). Collection method: clinical testing. Allele origin: germline.

ARUP Laboratories, Molecular Genetics and Genomics, ARUP Laboratories
Classification: Benign. Last evaluated: 2025-07-15. Review status: criteria provided, single submitter. Criteria: ARUP Molecular Germline Variant Investigation Process 2024. Collection method: clinical testing. Allele origin: germline.

Genome-Nilou Lab
Classification: Benign for Familial dysautonomia. Last evaluated: 2021-05-18. Review status: criteria provided, single submitter. Criteria: ACMG Guidelines, 2015. Collection method: clinical testing. Allele origin: germline. Affected: no.

Mayo Clinic Laboratories, Mayo Clinic
Classification: Benign. Last evaluated: 2021-05-06. Review status: criteria provided, single submitter. Criteria: ACMG Guidelines, 2015. Collection method: clinical testing. Allele origin: germline. Observed: 55 variant alleles.

Illumina Laboratory Services, Illumina
Classification: Uncertain significance for Familial dysautonomia. Last evaluated: 2018-01-13. Review status: criteria provided, single submitter. Criteria: ICSL Variant Classification Criteria 13 December 2019. Collection method: clinical testing. Allele origin: germline.

Women's Health and Genetics/Laboratory Corporation of America, LabCorp
Classification: Benign. Last evaluated: 2017-08-22. Review status: criteria provided, single submitter. Criteria: LabCorp Variant Classification Summary - May 2015. Collection method: clinical testing. Allele origin: germline.
Comment: Variant summary: The c.3876T>G (p.Thr1292=) in IKBKAP gene is a synonymous change that involves a non-conserved nucleotide. 4/5 programs in Alamut predict that this variant does not affect splicing, however no functional studies supporting this notion were published at the time of evaluation. The variant is present in control dataset of ExAC at a frequency of 0.01362 (1653/121382 chrs tested, including 21 homozygotes), predominantly in individuals of European Ancestry descent (0.01845; 1231/66722 chrs tested, including 17 homozygotes). These frequencies exceed the estimated maximum allele frequency for a pathogenic allele in this gene (0.0018). The variant of interest has not, to our knowledge, been reported in affected individuals via published reports, but is cited as Benign by a reputable clinical laboratory. Taken together, the variant was classified as benign.

GeneDx
Classification: Benign. Last evaluated: 2015-03-03. Review status: criteria provided, single submitter. Criteria: GeneDx Variant Classification Process June 2021. Collection method: clinical testing. Allele origin: germline. Affected: yes.

PreventionGenetics, part of Exact Sciences
Classification: Benign for ELP1-related condition. Last evaluated: 2019-07-24. Review status: no assertion criteria provided. Collection method: clinical testing. Allele origin: germline. Not counted in ClinVar's aggregate classification.
Comment: This variant is classified as benign based on ACMG/AMP sequence variant interpretation guidelines (Richards et al. 2015 PMID: 25741868, with internal and published modifications).

Natera, Inc.
Classification: Likely benign for Familial dysautonomia. Last evaluated: 2017-05-10. Review status: no assertion criteria provided. Collection method: clinical testing. Allele origin: germline. Not counted in ClinVar's aggregate classification.